The following is an entry in ClinVar:

ClinVar aggregate classification (germline): Uncertain significance (1 of 4 stars; one submission).

Conditions:
Inborn genetic diseases. Identifiers: MedGen C0950123, MeSH D030342.

Submission:

Ambry Genetics
Classification: Uncertain significance for Inborn genetic diseases. Last evaluated: 2025-03-08. Review status: criteria provided, single submitter. Criteria: Ambry Variant Classification Scheme 2023. Collection method: clinical testing. Allele origin: germline.
Comment: The p.D174V variant (also known as c.521A>T), located in coding exon 6 of the DDX41 gene, results from an A to T substitution at nucleotide position 521. The aspartic acid at codon 174 is replaced by valine, an amino acid with highly dissimilar properties. This amino acid position is conserved. In addition, this alteration is predicted to be tolerated by in silico analysis. Based on the available evidence, the clinical significance of this variant remains unclear.

NM_016222.4(DDX41):c.521A>T (p.Asp174Val)

Gene: DDX41 (DEAD-box helicase 41; minus strand). Cytogenetic location: 5q35.3.
Variant type: single nucleotide variant.
Coding change: c.521A>T on transcript NM_016222.4 (MANE Select); coding-DNA position 521, A replaced by T.
Protein change: p.Asp174Val; replaces aspartic acid 174 with valine.
Molecular consequence: missense variant.
Genome position (GRCh38, 1-based): chr5:177,515,735, T>A on the plus strand (A>T on the coding strand, the complement: DDX41 is on the minus strand). VCF-style: chr5-177515735-T-A. GRCh37 (hg19) VCF-style: chr5-176942736-T-A.
Other names: c.143A>T, p.Asp48Val (NM_001321732.2, NM_001321830.2); short protein forms D174V, D48V.
Identifiers: ClinVar variation 3839071 (VCV003839071.1).